The following is an entry in ClinVar:

NM_000256.3(MYBPC3):c.1048_1049del (p.Lys350fs)

Gene: MYBPC3 (myosin binding protein C3; minus strand). Cytogenetic location: 11p11.2.
Variant type: Deletion.
Coding change: c.1048_1049del on transcript NM_000256.3 (MANE Select); coding-DNA positions 1048 to 1049, 2 bases deleted (AA; older notation c.1048_1049delAA).
Protein change: p.Lys350fs; shifts the reading frame from lysine 350.
Molecular consequence: frameshift variant.
Genome position (GRCh38, 1-based): chr11:47,346,248-47,346,249, TT deleted on the plus strand (AA on the coding strand, the reverse complement: MYBPC3 is on the minus strand); deleting any 2 consecutive bases within chr11:47,346,248-47,346,250 gives the same sequence; the c. name uses the placement nearest the transcript's 3' end. VCF-style (leftmost placement, unchanged base first): chr11-47346247-CTT-C. GRCh37 (hg19) VCF-style: chr11-47367798-CTT-C.
Other names: short protein forms K350fs.
Identifiers: ClinVar variation 1074858 (VCV001074858.7), dbSNP rs2142864164, ClinGen allele CA2499220980.
Genomic context (GRCh38, chr11:47,346,247, plus strand): 5'-CCCTCTGAGGAAGGGCTAACCTGTGCTCTTCTTCTCATCGCGCCTCATGCCCTTGAGCCT[CTT>C]TAGCATGCCGCGCAGGTCAGTGACGCCGTACTGGAAGGCGATGCGCTCGTACTCAGATGG-3'

ClinVar aggregate classification (germline): Pathogenic (1 of 4 stars; one submission).

Conditions:
Hypertrophic cardiomyopathy. Also called: HYPERTROPHIC MYOCARDIOPATHY. Identifiers: Orphanet 217569, MedGen C0007194, MeSH D002312, MONDO:0005045, HP:0001639.

Submission:

Labcorp Genetics (formerly Invitae), Labcorp
Classification: Pathogenic for Hypertrophic cardiomyopathy. Last evaluated: 2020-01-28. Review status: criteria provided, single submitter. Criteria: Invitae Variant Classification Sherloc (09022015). Collection method: clinical testing. Allele origin: germline.
Comment: For these reasons, this variant has been classified as Pathogenic. Loss-of-function variants in MYBPC3 are known to be pathogenic (PMID: 19574547). This variant has not been reported in the literature in individuals with MYBPC3-related conditions. This variant is not present in population databases (ExAC no frequency). This sequence change creates a premature translational stop signal (p.Lys350Glufs*9) in the MYBPC3 gene. It is expected to result in an absent or disrupted protein product.

Literature cited by the submitters: PubMed 19574547.